The following is an entry in ClinVar:

ClinVar aggregate classification (germline): Pathogenic. Review status: criteria provided, multiple submitters, no conflicts (2 of 4 stars). 2 submissions from 2 submitters: Pathogenic (2). Last evaluated 2026-01-16.

Conditions:
Nemaline myopathy 2 (NEM2). Also called: Nemaline myopathy 2, autosomal recessive. Identifiers: MedGen C1850569, MONDO:0009725, OMIM 256030.

Submissions (2):

Natera, Inc.
Classification: Pathogenic for Nemaline myopathy type 2. Last evaluated: 2026-01-16. Review status: criteria provided, single submitter. Criteria: Natera Variant Classification Schema (03/2026). Collection method: clinical testing. Allele origin: germline.
Comment: The c.24788_24789del variant in NEB is a frameshift variant predicted to shift the reading frame beginning at codon 8263 and leads to a stop codon 19 codons downstream. This variant is expected to result in nonsense mediated decay, truncation, or a dysfunctional protein product. This variant is rare in the general population with a frequency below the threshold expected for the associated phenotype(s). This variant has been observed in one or more individuals affected with the associated recessive disease, as either homozygous or compound heterozygous with a second variant (PMID: 40525497). Given the available evidence, this variant is classified as Pathogenic.

Labcorp Genetics (formerly Invitae), Labcorp
Classification: Pathogenic for Nemaline myopathy 2. Last evaluated: 2025-11-23. Review status: criteria provided, single submitter. Criteria: Invitae Variant Classification Sherloc (09022015). Collection method: clinical testing. Allele origin: germline.
Comment: This sequence change creates a premature translational stop signal (p.Lys8263Argfs*19) in the NEB gene. It is expected to result in an absent or disrupted protein product. Loss-of-function variants in NEB are known to be pathogenic (PMID: 25205138). This variant is not present in population databases (gnomAD no frequency). This variant has not been reported in the literature in individuals affected with NEB-related conditions. ClinVar contains an entry for this variant (Variation ID: 2817523). For these reasons, this variant has been classified as Pathogenic.

Literature cited by the submitters: PubMed 40525497 (cited by Natera, Inc.); PubMed 25205138 (cited by Labcorp Genetics (formerly Invitae), Labcorp).

NM_001164508.2(NEB):c.24683_24684del (p.Lys8228fs)

Genes: RIF1 (replication timing regulatory factor 1; plus strand), NEB (nebulin; minus strand). Cytogenetic location: 2q23.3.
Variant type: Deletion.
Coding change: c.24683_24684del on transcript NM_001164508.2 (MANE Select); coding-DNA positions 24683 to 24684, 2 bases deleted (AA; older notation c.24683_24684delAA).
Protein change: p.Lys8228fs; shifts the reading frame from lysine 8228.
Molecular consequence: frameshift variant.
Genome position (GRCh38, 1-based): chr2:151,493,434-151,493,435, TT deleted on the plus strand (AA on the coding strand, the reverse complement: NEB is on the minus strand); deleting any 2 consecutive bases within chr2:151,493,434-151,493,436 gives the same sequence; the c. name uses the placement nearest the transcript's 3' end. VCF-style (leftmost placement, unchanged base first): chr2-151493433-CTT-C. GRCh37 (hg19) VCF-style: chr2-152349947-CTT-C.
Other names: c.24683_24684del, p.Lys8228fs (NM_001164507.2); c.24787_24788delAA, p.Lys8263Argfs (NM_001271208.1); c.24788_24789del, p.Lys8263fs (NM_001271208.2); c.19115_19116del, p.Lys6372fs (NM_004543.5); c.24788_24789del (NM_001271208.1); short protein forms K6372fs, K8228fs, K8263fs.
Identifiers: ClinVar variation 2817523 (VCV002817523.4), dbSNP rs2551726656, ClinGen allele CA2661447943.
Genomic context (GRCh38, chr2:151,493,433, plus strand): 5'-TGCGCTTAGCTCTCTCCATCTCTGGAGTAACAGGTGTCGGAGTTGCTTTTCTCATGTTCT[CTT>C]TGTACAATACCTAGGGAAGCCAAAAGAGCATCTAGGCATCAGACAGCAGAAAACCAGGTC-3'